The following is an entry in ClinVar:

NM_130468.4(CHST14):c.1021T>C (p.Cys341Arg)

Gene: CHST14 (carbohydrate sulfotransferase 14; plus strand). Cytogenetic location: 15q15.1.
Variant type: single nucleotide variant.
Coding change: c.1021T>C on transcript NM_130468.4 (MANE Select); coding-DNA position 1021, T replaced by C.
Protein change: p.Cys341Arg; replaces cysteine 341 with arginine.
Molecular consequence: missense variant.
Genome position (GRCh38, 1-based): chr15:40,472,234, T>C. VCF-style: chr15-40472234-T-C. GRCh37 (hg19) VCF-style: chr15-40764433-T-C.
Other names: short protein forms C341R.
Identifiers: ClinVar variation 2566474 (VCV002566474.2), dbSNP rs1361394249, ClinGen allele CA391768664.

ClinVar aggregate classification (germline): Uncertain significance (1 of 4 stars; one submission).

Conditions:
Cardiovascular phenotype. Identifiers: MedGen CN230736.

Allele frequency attached by ClinVar (database versions not stated): gnomAD exomes 0.00001.

Submission:

Ambry Genetics
Classification: Uncertain significance for Cardiovascular phenotype. Last evaluated: 2023-04-24. Review status: criteria provided, single submitter. Criteria: Ambry Variant Classification Scheme 2023. Collection method: clinical testing. Allele origin: germline.
Comment: The p.C341R variant (also known as c.1021T>C), located in coding exon 1 of the CHST14 gene, results from a T to C substitution at nucleotide position 1021. The cysteine at codon 341 is replaced by arginine, an amino acid with highly dissimilar properties. This amino acid position is highly conserved in available vertebrate species. In addition, this alteration is predicted to be deleterious by in silico analysis. Since supporting evidence is limited at this time, the clinical significance of this alteration remains unclear.